The following is an entry in ClinVar:

ClinVar aggregate classification (germline): Conflicting classifications of pathogenicity. Review status: criteria provided, conflicting classifications (1 of 4 stars). 3 submissions from 3 submitters: Uncertain significance (1); Likely benign (2). Last evaluated 2026-01-21.

Conditions:
Neutropenia, severe congenital, 2, autosomal dominant. Identifiers: Orphanet 486, MedGen C2751288, MONDO:0013139, OMIM 613107.
GFI1-related disorder. Also called: GFI1-related condition.

Allele frequency attached by ClinVar (database versions not stated): 1000 Genomes Project 0.00040; 1000 Genomes Project 30x 0.00047.
gnomAD v4.1: 53 of 1,470,190 alleles (0.0036%); highest among the groups gnomAD compares: African/African-American, 0.067%; no homozygotes.

Submissions (3):

Labcorp Genetics (formerly Invitae), Labcorp
Classification: Likely benign for Neutropenia, severe congenital, 2, autosomal dominant. Last evaluated: 2026-01-21. Review status: criteria provided, single submitter. Criteria: Invitae Variant Classification Sherloc (09022015). Collection method: clinical testing. Allele origin: germline.

PreventionGenetics, part of Exact Sciences
Classification: Likely benign for GFI1-related condition. Last evaluated: 2025-04-24. Review status: criteria provided, single submitter. Criteria: ACMG Guidelines, 2015. Collection method: clinical testing. Allele origin: germline.
Comment: This variant is classified as likely benign based on ACMG/AMP sequence variant interpretation guidelines (Richards et al. 2015 PMID: 25741868, with internal and published modifications).

Ambry Genetics
Classification: Uncertain significance. Last evaluated: 2024-11-18. Review status: criteria provided, single submitter. Criteria: Ambry Variant Classification Scheme 2023. Collection method: clinical testing. Allele origin: germline.
Comment: The p.G180R variant (also known as c.538G>A), located in coding exon 3 of the GFI1 gene, results from a G to A substitution at nucleotide position 538. The glycine at codon 180 is replaced by arginine, an amino acid with dissimilar properties. This amino acid position is conserved. In addition, this alteration is predicted to be tolerated by in silico analysis. Based on the available evidence, the clinical significance of this variant remains unclear.

NM_005263.5(GFI1):c.538G>A (p.Gly180Arg)

Gene: GFI1 (growth factor independent 1 transcriptional repressor; minus strand). Cytogenetic location: 1p22.1.
Variant type: single nucleotide variant.
Coding change: c.538G>A on transcript NM_005263.5 (MANE Select); coding-DNA position 538, G replaced by A.
Protein change: p.Gly180Arg; replaces glycine 180 with arginine.
Molecular consequence: missense variant.
Genome position (GRCh38, 1-based): chr1:92,480,849, C>T on the plus strand (G>A on the coding strand, the complement: GFI1 is on the minus strand). VCF-style: chr1-92480849-C-T. GRCh37 (hg19) VCF-style: chr1-92946406-C-T.
Other names: c.538G>A (NM_005263.3); c.538G>A, p.Gly180Arg (NM_001127215.3, NM_001127216.3); short protein forms G180R.
Identifiers: ClinVar variation 1150449 (VCV001150449.11), dbSNP rs529448705, ClinGen allele CA951367.